The following is an entry in ClinVar:

NM_000071.3(CBS):c.581A>G (p.Asn194Ser)

Gene: CBS (cystathionine beta-synthase; minus strand). Cytogenetic location: 21q22.3.
Variant type: single nucleotide variant.
Coding change: c.581A>G on transcript NM_000071.3 (MANE Select); coding-DNA position 581, A replaced by G.
Protein change: p.Asn194Ser; replaces asparagine 194 with serine.
Molecular consequence: missense variant.
Genome position (GRCh38, 1-based): chr21:43,065,472, T>C on the plus strand (A>G on the coding strand, the complement: CBS is on the minus strand). VCF-style: chr21-43065472-T-C. GRCh37 (hg19) VCF-style: chr21-44485582-T-C.
Other names: c.581A>G, p.Asn194Ser (NM_001178008.3, NM_001178009.3, NM_001320298.2); c.266A>G, p.Asn89Ser (NM_001321072.1); short protein forms N194S, N89S.
Identifiers: ClinVar variation 2062007 (VCV002062007.3), dbSNP rs911670352, ClinGen allele CA321096036.

ClinVar aggregate classification (germline): Conflicting classifications of pathogenicity. Review status: criteria provided, conflicting classifications (1 of 4 stars). 2 submissions from 2 submitters: Uncertain significance (1); Likely benign (1). Last evaluated 2022-12-06.

Conditions:
HYPERHOMOCYSTEINEMIA, THROMBOTIC, CBS-RELATED. Identifiers: MedGen C3150344, OMIM 236200.
Familial thoracic aortic aneurysm and aortic dissection (TAAD). Also called: Thoracic aortic aneurysms and dissections. Identifiers: Orphanet 91387, MedGen C4707243, MONDO:0019625.

Submissions (2):

Ambry Genetics
Classification: Likely benign for Familial thoracic aortic aneurysm and aortic dissection. Last evaluated: 2022-12-06. Review status: criteria provided, single submitter. Criteria: Ambry Variant Classification Scheme 2023. Collection method: clinical testing. Allele origin: germline.

Labcorp Genetics (formerly Invitae), Labcorp
Classification: Uncertain significance for HYPERHOMOCYSTEINEMIA, THROMBOTIC, CBS-RELATED. Last evaluated: 2022-01-21. Review status: criteria provided, single submitter. Criteria: Invitae Variant Classification Sherloc (09022015). Collection method: clinical testing. Allele origin: germline.
Comment: This sequence change replaces asparagine, which is neutral and polar, with serine, which is neutral and polar, at codon 194 of the CBS protein (p.Asn194Ser). This variant is present in population databases (no rsID available, gnomAD 0.01%). This variant has not been reported in the literature in individuals affected with CBS-related conditions. Algorithms developed to predict the effect of missense changes on protein structure and function output the following: SIFT: "Tolerated"; PolyPhen-2: "Benign"; Align-GVGD: "Class C0". The serine amino acid residue is found in multiple mammalian species, which suggests that this missense change does not adversely affect protein function. In summary, the available evidence is currently insufficient to determine the role of this variant in disease. Therefore, it has been classified as a Variant of Uncertain Significance.